The following is an entry in ClinVar:

ClinVar aggregate classification (germline): Uncertain significance. Review status: criteria provided, multiple submitters, no conflicts (2 of 4 stars). 3 submissions from 3 submitters: Uncertain significance (2). 1 of the submissions does not count toward it. Last evaluated 2025-07-16.

Conditions:
SH2B1-related disorder. Also called: SH2B1-related condition.

Submissions (3):

Ambry Genetics
Classification: Uncertain significance. Last evaluated: 2025-07-16. Review status: criteria provided, single submitter. Criteria: Ambry Variant Classification Scheme 2023. Collection method: clinical testing. Allele origin: germline.

Labcorp Genetics (formerly Invitae), Labcorp
Classification: Uncertain significance. Last evaluated: 2023-03-17. Review status: criteria provided, single submitter. Criteria: Invitae Variant Classification Sherloc (09022015). Collection method: clinical testing. Allele origin: germline.
Comment: This sequence change replaces proline, which is neutral and non-polar, with leucine, which is neutral and non-polar, at codon 644 of the SH2B1 protein (p.Pro644Leu). This variant is present in population databases (no rsID available, gnomAD 0.008%). This variant has not been reported in the literature in individuals affected with SH2B1-related conditions. An algorithm developed to predict the effect of missense changes on protein structure and function (PolyPhen-2) suggests that this variant is likely to be tolerated. In summary, the available evidence is currently insufficient to determine the role of this variant in disease. Therefore, it has been classified as a Variant of Uncertain Significance.

PreventionGenetics, part of Exact Sciences
Classification: Uncertain significance for SH2B1-related condition. Last evaluated: 2024-06-28. Review status: no assertion criteria provided. Collection method: clinical testing. Allele origin: germline. Not counted in ClinVar's aggregate classification.
Comment: The SH2B1 c.1931C>T variant is predicted to result in the amino acid substitution p.Pro644Leu. To our knowledge, this variant has not been reported in the literature. This variant is reported in 0.0080% of alleles in individuals of South Asian descent in gnomAD. At this time, the clinical significance of this variant is uncertain due to the absence of conclusive functional and genetic evidence.

NM_001387430.1(SH2B1):c.1931C>T (p.Pro644Leu)

Gene: SH2B1 (SH2B adaptor protein 1; plus strand). Cytogenetic location: 16p11.2.
Variant type: single nucleotide variant.
Coding change: c.1931C>T on transcript NM_001387430.1 (MANE Select); coding-DNA position 1931, C replaced by T.
Protein change: p.Pro644Leu; replaces proline 644 with leucine.
Molecular consequence: missense variant. On other transcripts: 3 prime UTR variant (5).
Genome position (GRCh38, 1-based): chr16:28,873,480, C>T. VCF-style: chr16-28873480-C-T. GRCh37 (hg19) VCF-style: chr16-28884801-C-T.
Other names: c.1931C>T (NM_001145795.1); c.*15C>T (NM_015503.3, NM_001145796.2, NM_001145812.2 and 1 more transcripts); c.1931C>T, p.Pro644Leu (NM_001145795.2, NM_001308293.2, NM_001387404.1); c.*32C>T (NM_001145797.2); short protein forms P644L.
Identifiers: ClinVar variation 2725649 (VCV002725649.5), dbSNP rs1466411420, ClinGen allele CA7986400.
Genomic context (GRCh38, chr16:28,873,480, plus strand): 5'-GTCTGTTTTCTTACCATTCCTATCCAGAACCGACCACCTCCCATGACCCACCCCAGCCCC[C>T]TGAACCCCCTTCATGGACAGATCCCCCACAGCCTGGGGCAGAAGAGGCGTCGAGGGCGCC-3'
Protein context (NP_001374359.1, residues 634-654): PTTSHDPPQP[Pro644Leu]EPPSWTDPPQ